The following is an entry in ClinVar:

NM_004360.5(CDH1):c.371G>C (p.Arg124Pro)

Gene: CDH1 (cadherin 1; plus strand). Cytogenetic location: 16q22.1.
Variant type: single nucleotide variant.
Coding change: c.371G>C on transcript NM_004360.5 (MANE Select); coding-DNA position 371, G replaced by C.
Protein change: p.Arg124Pro; replaces arginine 124 with proline.
Molecular consequence: missense variant. On other transcripts: 5 prime UTR variant (2).
Genome position (GRCh38, 1-based): chr16:68,801,877, G>C. VCF-style: chr16-68801877-G-C. GRCh37 (hg19) VCF-style: chr16-68835780-G-C.
Other names: c.371G>C (LRG_301t1); c.371G>C, p.Arg124Pro (NM_001317184.2); c.-1245G>C (NM_001317185.2); c.-1449G>C (NM_001317186.2); short protein forms R124P.
Identifiers: ClinVar variation 141984 (VCV000141984.18), dbSNP rs115418995, ClinGen allele CA167024.

ClinVar aggregate classification (germline): Conflicting classifications of pathogenicity. Review status: criteria provided, conflicting classifications (1 of 4 stars). 3 submissions from 3 submitters: Uncertain significance (2); Likely benign (1). Last evaluated 2026-09-03.

Conditions:
Hereditary cancer-predisposing syndrome. Also called: Tumor predisposition; Hereditary Cancer Syndrome; Neoplastic Syndromes, Hereditary; Hereditary neoplastic syndrome. Identifiers: Orphanet 140162, MedGen C0027672, MeSH D009386, MONDO:0015356.
Hereditary diffuse gastric adenocarcinoma (HDGC). Also called: DIFFUSE GASTRIC AND LOBULAR BREAST CANCER SYNDROME. Identifiers: Orphanet 26106, MedGen C1708349, MONDO:0007648, OMIM 137215.

Submissions (3):

GeneDx
Classification: Uncertain significance. Last evaluated: 2026-09-03. Review status: criteria provided, single submitter. Criteria: GeneDx Variant Classification Process June 2021. Collection method: clinical testing. Allele origin: germline.
Comment: Not observed at significant frequency in large population cohorts (gnomAD); In silico analysis suggests that this missense variant does not alter protein structure/function; Has not been previously published as pathogenic or benign to our knowledge

Labcorp Genetics (formerly Invitae), Labcorp
Classification: Uncertain significance for Hereditary diffuse gastric adenocarcinoma. Last evaluated: 2025-11-05. Review status: criteria provided, single submitter. Criteria: Invitae Variant Classification Sherloc (09022015). Collection method: clinical testing. Allele origin: germline.
Comment: This sequence change replaces arginine, which is basic and polar, with proline, which is neutral and non-polar, at codon 124 of the CDH1 protein (p.Arg124Pro). This variant is present in population databases (rs115418995, gnomAD 0.003%). This variant has not been reported in the literature in individuals affected with CDH1-related conditions. ClinVar contains an entry for this variant (Variation ID: 141984). An algorithm developed to predict the effect of missense changes on protein structure and function (PolyPhen-2) suggests that this variant is likely to be disruptive. In summary, the available evidence is currently insufficient to determine the role of this variant in disease. Therefore, it has been classified as a Variant of Uncertain Significance.

Ambry Genetics
Classification: Likely benign for Hereditary cancer-predisposing syndrome. Last evaluated: 2024-01-30. Review status: criteria provided, single submitter. Criteria: Ambry Variant Classification Scheme 2023. Collection method: clinical testing. Allele origin: germline.